The following is an entry in ClinVar:

NM_001378964.1(CDON):c.223G>A (p.Val75Ile)

Gene: CDON (cell adhesion associated, oncogene regulated; minus strand). Cytogenetic location: 11q24.2.
Variant type: single nucleotide variant.
Coding change: c.223G>A on transcript NM_001378964.1 (MANE Select); coding-DNA position 223, G replaced by A.
Protein change: p.Val75Ile; replaces valine 75 with isoleucine.
Molecular consequence: missense variant.
Genome position (GRCh38, 1-based): chr11:126,021,374, C>T on the plus strand (G>A on the coding strand, the complement: CDON is on the minus strand). VCF-style: chr11-126021374-C-T. GRCh37 (hg19) VCF-style: chr11-125891269-C-T.
Other names: c.223G>A, p.Val75Ile (NM_001243597.3, NM_016952.6); short protein forms V75I.
Identifiers: ClinVar variation 95752 (VCV000095752.26), dbSNP rs3740912, ClinGen allele CA148795.

ClinVar aggregate classification (germline): Benign. Review status: criteria provided, multiple submitters, no conflicts (2 of 4 stars). 10 submissions from 10 submitters: Benign (8). 2 of the submissions do not count toward it. Last evaluated 2026-02-03.

Conditions:
Holoprosencephaly 11 (HPE11). Identifiers: Orphanet 2162, MedGen C3280215, MONDO:0013642, OMIM 614226.

Allele frequency attached by ClinVar (database versions not stated): gnomAD exomes 0.55443 and 0.55709; ExAC 0.55732; TOPMed 0.62795; ESP Exome Variant Server 0.64515; 1000 Genomes Project 30x 0.58167; gnomAD 0.64193 and 0.63023; 1000 Genomes Project 0.57228.
gnomAD v4.1: 910,742 of 1,613,614 alleles (56%); highest among the groups gnomAD compares: African/African-American, 82%; 262,028 homozygotes.

Submissions (10):

Labcorp Genetics (formerly Invitae), Labcorp
Classification: Benign for Holoprosencephaly 11. Last evaluated: 2026-02-03. Review status: criteria provided, single submitter. Criteria: Invitae Variant Classification Sherloc (09022015). Collection method: clinical testing. Allele origin: germline.

Blueprint Genetics
Classification: Benign. Last evaluated: 2024-11-27. Review status: criteria provided, single submitter. Criteria: ACMG Guidelines, 2015. Collection method: clinical testing. Allele origin: germline.

Genome-Nilou Lab
Classification: Benign for Holoprosencephaly 11. Last evaluated: 2021-07-22. Review status: criteria provided, single submitter. Criteria: ACMG Guidelines, 2015. Collection method: clinical testing. Allele origin: germline. Affected: no.

GeneDx
Classification: Benign. Last evaluated: 2019-01-09. Review status: criteria provided, single submitter. Criteria: GeneDx Variant Classification Process June 2021. Collection method: clinical testing. Allele origin: germline. Affected: yes.

Illumina Laboratory Services, Illumina
Classification: Benign for Holoprosencephaly 11. Last evaluated: 2018-01-13. Review status: criteria provided, single submitter. Criteria: ICSL Variant Classification Criteria 13 December 2019. Collection method: clinical testing. Allele origin: germline.
Comment: This variant was observed in the ICSL laboratory as part of a predisposition screen in an ostensibly healthy population. It had not been previously curated by ICSL or reported in the Human Gene Mutation Database (HGMD: prior to June 1st, 2018), and was therefore a candidate for classification through an automated scoring system. Utilizing variant allele frequency, disease prevalence and penetrance estimates, and inheritance mode, an automated score was calculated to assess if this variant is too frequent to cause the disease. Based on the score and internal cut-off values, a variant classified as benign is not then subjected to further curation. The score for this variant resulted in a classification of benign for this disease.

Eurofins Ntd Llc (ga)
Classification: Benign. Last evaluated: 2013-07-03. Review status: criteria provided, single submitter. Criteria: EGL Classification Definitions 2015. Collection method: clinical testing. Allele origin: germline. Observed: 4 variant alleles, 3 heterozygotes, 1 homozygote.

Breakthrough Genomics
Classification: Benign. Review status: criteria provided, single submitter. Criteria: ACMG Guidelines, 2015. Collection method: not provided. Allele origin: germline. Inheritance: Autosomal dominant inheritance. Affected: yes.

PreventionGenetics, part of Exact Sciences
Classification: Benign. Review status: criteria provided, single submitter. Criteria: ACMG Guidelines, 2015. Collection method: clinical testing. Allele origin: germline.

Clinical Genetics, Academic Medical Center
Classification: Benign. Review status: no assertion criteria provided. Collection method: clinical testing. Allele origin: germline. Affected: yes. Study: VKGL Data-share Consensus. Not counted in ClinVar's aggregate classification.

Diagnostic Laboratory, Department of Genetics, University Medical Center Groningen
Classification: Benign. Review status: no assertion criteria provided. Collection method: clinical testing. Allele origin: germline. Affected: yes. Study: VKGL Data-share Consensus. Not counted in ClinVar's aggregate classification.